The following is an entry in ClinVar:

NM_006129.5(BMP1):c.962-172A>G

Gene: BMP1 (bone morphogenetic protein 1; plus strand). Cytogenetic location: 8p21.3.
Variant type: single nucleotide variant.
Coding change: c.962-172A>G on transcript NM_006129.5 (MANE Select); 172 bases into the intron before coding-DNA position 962, A replaced by G.
Molecular consequence: intron variant.
Genome position (GRCh38, 1-based): chr8:22,180,196, A>G. VCF-style: chr8-22180196-A-G. GRCh37 (hg19) VCF-style: chr8-22037709-A-G.
Other names: c.962-172A>G (NM_001199.4).
Identifiers: ClinVar variation 680908 (VCV000680908.1), dbSNP rs56061036, ClinGen allele CA12832917.

ClinVar aggregate classification (germline): Benign (1 of 4 stars; one submission).

Allele frequency attached by ClinVar (database versions not stated): gnomAD 0.17277 and 0.18047; TOPMed 0.18077; 1000 Genomes Project 0.18870; 1000 Genomes Project 30x 0.19925.
gnomAD v4.1: 26,190 of 151,960 alleles (17%); highest among the groups gnomAD compares: African/African-American, 40%; 3,897 homozygotes.

Submission:

GeneDx
Classification: Benign. Last evaluated: 2018-06-14. Review status: criteria provided, single submitter. Criteria: GeneDx Variant Classification (06012015). Collection method: clinical testing. Allele origin: germline. Affected: yes.
Comment: This variant is considered likely benign or benign based on one or more of the following criteria: it is a conservative change, it occurs at a poorly conserved position in the protein, it is predicted to be benign by multiple in silico algorithms, and/or has population frequency not consistent with disease.